The following is an entry in ClinVar:

ClinVar aggregate classification (germline): Uncertain significance. Review status: criteria provided, multiple submitters, no conflicts (2 of 4 stars). 2 submissions from 2 submitters: Uncertain significance (2). Last evaluated 2025-11-16.

Conditions:
Inborn genetic diseases. Identifiers: MedGen C0950123, MeSH D030342.
Baller-Gerold syndrome (BGS). Also called: CRANIOSYNOSTOSIS WITH RADIAL DEFECTS. Identifiers: Orphanet 1225, MedGen C0265308, MONDO:0009039, OMIM 218600.

gnomAD v4.1: 1 of 1,602,374 alleles (0.000062%); highest among the groups gnomAD compares: Non-Finnish European, 0.000085%; no homozygotes.

Submissions (2):

Ambry Genetics
Classification: Uncertain significance for Inborn genetic diseases. Last evaluated: 2025-11-16. Review status: criteria provided, single submitter. Criteria: Ambry Variant Classification Scheme 2023. Collection method: clinical testing. Allele origin: germline.
Comment: The p.A717V variant (also known as c.2150C>T), located in coding exon 13 of the RECQL4 gene, results from a C to T substitution at nucleotide position 2150. The alanine at codon 717 is replaced by valine, an amino acid with similar properties. This amino acid position is conserved. In addition, the in silico prediction for this alteration is inconclusive. Based on the available evidence, the clinical significance of this variant remains unclear.

Labcorp Genetics (formerly Invitae), Labcorp
Classification: Uncertain significance for Baller-Gerold syndrome. Last evaluated: 2022-01-26. Review status: criteria provided, single submitter. Criteria: Invitae Variant Classification Sherloc (09022015). Collection method: clinical testing. Allele origin: germline.
Comment: In summary, the available evidence is currently insufficient to determine the role of this variant in disease. Therefore, it has been classified as a Variant of Uncertain Significance. Experimental studies and prediction algorithms are not available or were not evaluated, and the functional significance of this variant is currently unknown. This variant has not been reported in the literature in individuals affected with RECQL4-related conditions. The frequency data for this variant in the population databases is considered unreliable, as metrics indicate poor data quality at this position in the gnomAD database. This sequence change replaces alanine, which is neutral and non-polar, with valine, which is neutral and non-polar, at codon 717 of the RECQL4 protein (p.Ala717Val).

NM_004260.4(RECQL4):c.2150C>T (p.Ala717Val)

Gene: RECQL4 (RecQ like helicase 4; minus strand). Cytogenetic location: 8q24.3.
Variant type: single nucleotide variant.
Coding change: c.2150C>T on transcript NM_004260.4 (MANE Select); coding-DNA position 2150, C replaced by T.
Protein change: p.Ala717Val; replaces alanine 717 with valine.
Molecular consequence: missense variant.
Genome position (GRCh38, 1-based): chr8:144,513,621, G>A on the plus strand (C>T on the coding strand, the complement: RECQL4 is on the minus strand). VCF-style: chr8-144513621-G-A. GRCh37 (hg19) VCF-style: chr8-145739005-G-A.
Other names: c.2150C>T (NM_004260.3); short protein forms A717V.
Identifiers: ClinVar variation 1426087 (VCV001426087.8), dbSNP rs775509164, ClinGen allele CA4948444.